The following is an entry in ClinVar:

ClinVar aggregate classification (germline): Likely benign. Review status: criteria provided, multiple submitters, no conflicts (2 of 4 stars). 2 submissions from 2 submitters: Likely benign (2). Last evaluated 2026-01-22.

Submissions (2):

Women's Health and Genetics/Laboratory Corporation of America, LabCorp
Classification: Likely benign. Last evaluated: 2026-01-22. Review status: criteria provided, single submitter. Criteria: LabCorp Variant Classification Summary - May 2015. Collection method: clinical testing. Allele origin: germline.
Comment: Variant summary: TCF3 c.1291_1293delinsAGT (p.Gly431Ser) results in a non-conservative amino acid change in the encoded protein sequence. Algorithms developed to predict the effect of missense changes on protein structure and function all suggest that this variant is likely to be disruptive. p.Gly431Ser was found at a frequency of 0.089 in 245472 control chromosomes in the gnomAD database, including 1204 homozygotes. The observed variant frequency exceeds the estimated maximal expected allele frequency for disease-causing variants in TCF3. To our knowledge, no occurrence of c.1291_1293delinsAGT in individuals affected with TCF3-related conditions and no experimental evidence demonstrating its impact on protein function have been reported. ClinVar contains an entry for this variant (Variation ID: 1330457). Based on the evidence outlined above, the variant was classified as likely benign.

ARUP Laboratories, Molecular Genetics and Genomics, ARUP Laboratories
Classification: Likely benign. Last evaluated: 2025-07-02. Review status: criteria provided, single submitter. Criteria: ARUP Molecular Germline Variant Investigation Process 2024. Collection method: clinical testing. Allele origin: germline.

NM_003200.5(TCF3):c.1291_1293delinsAGT (p.Gly431Ser)

Gene: TCF3 (transcription factor 3; minus strand). Cytogenetic location: 19p13.3.
Variant type: Indel.
Coding change: c.1291_1293delinsAGT on transcript NM_003200.5 (MANE Select); coding-DNA positions 1291 to 1293, GGC replaced by AGT.
Protein change: p.Gly431Ser; replaces glycine 431 with serine.
Molecular consequence: missense variant.
Genome position (GRCh38, 1-based): chr19:1,619,349-1,619,351, GCC replaced by ACT on the plus strand (GGC replaced by AGT on the coding strand, the reverse complement: TCF3 is on the minus strand). VCF-style: chr19-1619349-GCC-ACT. GRCh37 (hg19) VCF-style: chr19-1619348-GCC-ACT.
Other names: c.1291_1293delinsAGT, p.Gly431Ser (NM_001136139.4, NM_001351779.2); c.1288_1290delinsAGT, p.Gly430Ser (NM_001351778.2); short protein forms G430S, G431S.
Identifiers: ClinVar variation 1330457 (VCV001330457.14), dbSNP rs386805766, ClinGen allele CA304102816.